The following is an entry in ClinVar:

ClinVar aggregate classification (germline): Pathogenic (1 of 4 stars; one submission).

Conditions:
Hereditary cancer-predisposing syndrome. Also called: Neoplastic Syndromes, Hereditary; Tumor predisposition; Hereditary Cancer Syndrome; Hereditary neoplastic syndrome. Identifiers: Orphanet 140162, MedGen C0027672, MeSH D009386, MONDO:0015356.

Submission:

Ambry Genetics
Classification: Pathogenic for Hereditary cancer-predisposing syndrome. Last evaluated: 2021-11-19. Review status: criteria provided, single submitter. Criteria: Ambry Variant Classification Scheme 2023. Collection method: clinical testing. Allele origin: germline.
Comment: The c.3495delC pathogenic mutation, located in coding exon 6 of the MSH6 gene, results from a deletion of one nucleotide at nucleotide position 3495, causing a translational frameshift with a predicted alternate stop codon (p.C1165*). This alteration is expected to result in loss of function by premature protein truncation or nonsense-mediated mRNA decay. As such, this alteration is interpreted as a disease-causing mutation.

NM_000179.3(MSH6):c.3495del (p.Val1164_Cys1165insTer)

Gene: MSH6 (mutS homolog 6; plus strand). Cytogenetic location: 2p16.3.
Variant type: Deletion.
Coding change: c.3495del on transcript NM_000179.3 (MANE Select); coding-DNA position 3495, one base deleted (C; older notation c.3495delC).
Protein change: p.Val1164_Cys1165insTer.
Molecular consequence: nonsense. On other transcripts: frameshift variant (38).
Genome position (GRCh38, 1-based): chr2:47,804,966, C deleted. VCF-style (leftmost placement, unchanged base first): chr2-47804965-GC-G. GRCh37 (hg19) VCF-style: chr2-48032104-GC-G.
Other names: c.3495delC, p.Cys1165Terfs (NM_001406809.1, NM_001406796.1, NM_001406800.1 and 1 more transcripts); c.2589delC, p.Cys863Terfs (NM_001406811.1, NM_001406812.1, NM_001406814.1 and 4 more transcripts); c.3501delC, p.Cys1167Terfs (NM_001406813.1); c.3198delC, p.Cys1066Terfs (NM_001406819.1, NM_001406818.1, NM_001406821.1 and 10 more transcripts); c.1929delC, p.Cys643Terfs (NM_001406817.1); c.2970delC, p.Cys990Terfs (NM_001406807.1, NM_001406806.1, NM_001406799.1); c.2631delC, p.Cys877Terfs (NM_001406803.1); c.3417delC, p.Cys1139Terfs (NM_001406804.1); and 8 more.
Identifiers: ClinVar variation 1731978 (VCV001731978.2), dbSNP rs2530802250, ClinGen allele CA2580067168.